The following is an entry in ClinVar:

ClinVar aggregate classification (germline): Uncertain significance (1 of 4 stars; one submission).

Submission:

Labcorp Genetics (formerly Invitae), Labcorp
Classification: Uncertain significance. Last evaluated: 2024-10-08. Review status: criteria provided, single submitter. Criteria: Invitae Variant Classification Sherloc (09022015). Collection method: clinical testing. Allele origin: germline.
Comment: This sequence change replaces leucine, which is neutral and non-polar, with serine, which is neutral and polar, at codon 793 of the IMPG2 protein (p.Leu793Ser). This variant is not present in population databases (gnomAD no frequency). This variant has not been reported in the literature in individuals affected with IMPG2-related conditions. ClinVar contains an entry for this variant (Variation ID: 2110623). Invitae Evidence Modeling of protein sequence and biophysical properties (such as structural, functional, and spatial information, amino acid conservation, physicochemical variation, residue mobility, and thermodynamic stability) indicates that this missense variant is not expected to disrupt IMPG2 protein function with a negative predictive value of 80%. In summary, the available evidence is currently insufficient to determine the role of this variant in disease. Therefore, it has been classified as a Variant of Uncertain Significance.

NM_016247.4(IMPG2):c.2378T>C (p.Leu793Ser)

Gene: IMPG2 (interphotoreceptor matrix proteoglycan 2; minus strand). Cytogenetic location: 3q12.3.
Variant type: single nucleotide variant.
Coding change: c.2378T>C on transcript NM_016247.4 (MANE Select); coding-DNA position 2378, T replaced by C.
Protein change: p.Leu793Ser; replaces leucine 793 with serine.
Molecular consequence: missense variant.
Genome position (GRCh38, 1-based): chr3:101,243,953, A>G on the plus strand (T>C on the coding strand, the complement: IMPG2 is on the minus strand). VCF-style: chr3-101243953-A-G. GRCh37 (hg19) VCF-style: chr3-100962797-A-G.
Other names: short protein forms L793S.
Identifiers: ClinVar variation 2110623 (VCV002110623.4), dbSNP rs2508943377, ClinGen allele CA353857608.